The following is an entry in ClinVar:

ClinVar aggregate classification (germline): Conflicting classifications of pathogenicity. Review status: criteria provided, conflicting classifications (1 of 4 stars). 6 submissions from 6 submitters: Uncertain significance (3); Likely benign (2). 1 of the submissions does not count toward it. Last evaluated 2026-08-01.

Conditions:
REEP6-related disorder. Also called: REEP6-related condition.
Retinal dystrophy. Also called: Inherited retinal dystrophy. Identifiers: Orphanet 71862, MedGen C0854723, MeSH D058499, MONDO:0019118, HP:0000556.

Allele frequency attached by ClinVar (database versions not stated): 1000 Genomes Project 30x 0.00031; 1000 Genomes Project 0.00040; TOPMed 0.00076; gnomAD exomes 0.00078; ExAC 0.00083; ESP Exome Variant Server 0.00085; gnomAD 0.00092 and 0.00096.
gnomAD v4.1: 2,424 of 1,613,110 alleles (0.15%); highest among the groups gnomAD compares: Non-Finnish European, 0.19%; 4 homozygotes.

Submissions (6):

CeGaT Center for Human Genetics Tuebingen
Classification: Likely benign. Last evaluated: 2026-08-01. Review status: criteria provided, single submitter. Criteria: CeGaT Center For Human Genetics Tuebingen Variant Classification Criteria Version 2. Collection method: clinical testing. Allele origin: germline. Affected: yes. Observed: 2 variant alleles.
Comment: REEP6: BP4, BS2

PreventionGenetics, part of Exact Sciences
Classification: Uncertain significance for REEP6-related condition. Last evaluated: 2025-08-27. Review status: criteria provided, single submitter. Criteria: ACMG Guidelines, 2015. Collection method: clinical testing. Allele origin: germline.
Comment: The REEP6 c.469G>A variant is predicted to result in the amino acid substitution p.Asp157Asn. This variant has been observed in homozygous state in an individual with retinitis pigmentosa and assesses as variant of uncertain significance, however additional potentially plausible variants were also detected in this individual (Patient ARRP 444, Table S1, Weisschuh et al. 2024. PubMed ID: 37734845). This variant is reported in 0.15% of alleles in individuals of European (Non-Finnish) descent in gnomAD. Although we suspect that this variant may be benign, at this time, the clinical significance of this variant is uncertain due to the absence of conclusive functional and genetic evidence.

Blueprint Genetics
Classification: Likely benign. Last evaluated: 2024-11-26. Review status: criteria provided, single submitter. Criteria: ACMG Guidelines, 2015. Collection method: clinical testing. Allele origin: germline.

Labcorp Genetics (formerly Invitae), Labcorp
Classification: Uncertain significance. Last evaluated: 2022-10-25. Review status: criteria provided, single submitter. Criteria: Invitae Variant Classification Sherloc (09022015). Collection method: clinical testing. Allele origin: germline.
Comment: This sequence change replaces aspartic acid, which is acidic and polar, with asparagine, which is neutral and polar, at codon 157 of the REEP6 protein (p.Asp157Asn). This variant is present in population databases (rs145541565, gnomAD 0.2%), and has an allele count higher than expected for a pathogenic variant. This variant has not been reported in the literature in individuals affected with REEP6-related conditions. ClinVar contains an entry for this variant (Variation ID: 430490). Experimental studies and prediction algorithms are not available or were not evaluated, and the functional significance of this variant is currently unknown. In summary, the available evidence is currently insufficient to determine the role of this variant in disease. Therefore, it has been classified as a Variant of Uncertain Significance.

GeneDx
Classification: Uncertain significance. Last evaluated: 2017-05-26. Review status: criteria provided, single submitter. Criteria: GeneDx Variant Classification (06012015). Collection method: clinical testing. Allele origin: germline. Affected: yes.
Comment: The D157N variant in the REEP6 gene has not been reported previously as a pathogenic variant, nor as a benign variant, to our knowledge. The D157N variant is observed in 88/65376 (0.13%) alleles from individuals of European background in large population cohorts (Lek et al., 2016; 1000 Genomes Consortium et al., 2015; Exome Variant Server). The D157N variant is a semi-conservative amino acid substitution, which may impact secondary protein structure as these residues differ in some properties. However, this substitution occurs at a position that is not conserved, and in silico analysis predicts this variant likely does not alter the protein structure/function. We interpret D157N as a variant of uncertain significance.

Institute of Human Genetics, Univ. Regensburg, Univ. Regensburg
Classification: Uncertain significance for Retinal dystrophy. Last evaluated: 2022-01-01. Review status: no assertion criteria provided. Criteria: ACMG Guidelines, 2015. Collection method: clinical testing. Allele origin: germline. Affected: yes. Not counted in ClinVar's aggregate classification.

NM_138393.4(REEP6):c.469G>A (p.Asp157Asn)

Gene: REEP6 (receptor accessory protein 6; plus strand). Cytogenetic location: 19p13.3.
Variant type: single nucleotide variant.
Coding change: c.469G>A on transcript NM_138393.4 (MANE Select); coding-DNA position 469, G replaced by A.
Protein change: p.Asp157Asn; replaces aspartic acid 157 with asparagine.
Molecular consequence: missense variant.
Genome position (GRCh38, 1-based): chr19:1,496,405, G>A. VCF-style: chr19-1496405-G-A. GRCh37 (hg19) VCF-style: chr19-1496404-G-A.
Other names: c.469G>A, p.Asp157Asn (NM_001329556.3); short protein forms D157N.
Identifiers: ClinVar variation 430490 (VCV000430490.16), dbSNP rs145541565, ClinGen allele CA9047585.